The following is an entry in ClinVar:

ClinVar aggregate classification (germline): Pathogenic. Review status: reviewed by expert panel (3 of 4 stars). 5 submissions from 5 submitters: Pathogenic (1). 4 of the submissions do not count toward it. Last evaluated 2016-09-08.

Conditions:
Hereditary breast ovarian cancer syndrome. Also called: Hereditary breast and/or ovarian cancer syndrome; Breast and ovarian cancer; Hereditary breast and ovarian cancer syndrome; Hereditary breast and ovarian cancer; Hereditary breast and ovarian cancer syndrome (HBOC); BRCA1- and BRCA2-Associated Hereditary Breast and Ovarian Cancer. Identifiers: Orphanet 145, MedGen C0677776, MeSH D061325, MONDO:0003582. Disease mechanism: loss of function.
Breast-ovarian cancer, familial, susceptibility to, 1 (BROVCA1). Also called: BRCA1 Hereditary Breast and Ovarian Cancer; OVARIAN CANCER, SUSCEPTIBILITY TO. Identifiers: Orphanet 145, MedGen C2676676, MONDO:0011450, OMIM 604370. Disease mechanism: loss of function.

Submissions (5):

Evidence-based Network for the Interpretation of Germline Mutant Alleles (ENIGMA)
Classification: Pathogenic for Breast-ovarian cancer, familial, susceptibility to, 1. Last evaluated: 2016-09-08. Review status: reviewed by expert panel. Criteria: ENIGMA BRCA1/2 Classification Criteria (2015). Collection method: curation. Allele origin: germline.
Comment: Variant allele predicted to encode a truncated non-functional protein.

Labcorp Genetics (formerly Invitae), Labcorp
Classification: Pathogenic for Hereditary breast ovarian cancer syndrome. Last evaluated: 2022-07-27. Review status: criteria provided, single submitter. Criteria: Invitae Variant Classification Sherloc (09022015). Collection method: clinical testing. Allele origin: germline. Not counted in ClinVar's aggregate classification.
Comment: This sequence change creates a premature translational stop signal (p.Ser1389Glufs*2) in the BRCA1 gene. It is expected to result in an absent or disrupted protein product. Loss-of-function variants in BRCA1 are known to be pathogenic (PMID: 20104584). This variant is not present in population databases (gnomAD no frequency). This premature translational stop signal has been observed in individual(s) with breast cancer (PMID: 19352458). ClinVar contains an entry for this variant (Variation ID: 125682). For these reasons, this variant has been classified as Pathogenic.

Women's Health and Genetics/Laboratory Corporation of America, LabCorp
Classification: Pathogenic for Hereditary breast ovarian cancer syndrome. Last evaluated: 2016-04-22. Review status: criteria provided, single submitter. Criteria: LabCorp Variant Classification Summary - May 2015. Collection method: clinical testing. Allele origin: germline. Not counted in ClinVar's aggregate classification.
Comment: Variant summary: The c.4163dupA variant results in a premature termination codon, predicted to cause a truncated or absent BRCA1 protein, which is a commonly known mechanism for disease. Truncations downstream of this position, such as c.4165_4166delAG, c.4167delT, c.4167_4168delTG, c.4165_4166dupAG, have been classified as "Pathogenic". This variant has been reported in at least two BrC patients and is not found in 94812 control chromosomes. In addition, one reputable database classified this variant as pathogenic. Taken together, this variant was classified as pathogenic.

Medical Genetics Laboratory, Umraniye Training and Research Hospital, University of Health Sciences
Classification: Pathogenic for Breast-ovarian cancer, familial, susceptibility to, 1. Last evaluated: 2021-08-08. Review status: no assertion criteria provided. Collection method: clinical testing. Allele origin: germline. Inheritance: Autosomal dominant inheritance. Affected: yes. Observed: 1 variant allele, 1 heterozygote. Not counted in ClinVar's aggregate classification.

Breast Cancer Information Core (BIC) (BRCA1)
Classification: Pathogenic for Breast-ovarian cancer, familial 1. Last evaluated: 2002-06-20. Review status: no assertion criteria provided. Collection method: clinical testing. Allele origin: germline. Affected: yes. Observed: 1 variant allele. Not counted in ClinVar's aggregate classification.

Literature cited by the submitters: PubMed 20104584 (cited by Labcorp Genetics (formerly Invitae), Labcorp); PubMed 19352458 (cited by Labcorp Genetics (formerly Invitae), Labcorp and Women's Health and Genetics/Laboratory Corporation of America, LabCorp); PubMed 16267036 (cited by Women's Health and Genetics/Laboratory Corporation of America, LabCorp).

NM_007294.4(BRCA1):c.4163dup (p.Ser1389fs)

Gene: BRCA1 (BRCA1 DNA repair associated; minus strand). Cytogenetic location: 17q21.31.
Variant type: Duplication.
Coding change: c.4163dup on transcript NM_007294.4 (MANE Select); coding-DNA position 4163, one base duplicated (A; older notation c.4163dupA).
Protein change: p.Ser1389fs; shifts the reading frame from serine 1389.
Molecular consequence: frameshift variant. On other transcripts: non-coding transcript variant (1).
Genome position (GRCh38, 1-based): chr17:43,090,966, T duplicated on the plus strand (A on the coding strand, the reverse complement: BRCA1 is on the minus strand). VCF-style (leftmost placement, unchanged base first): chr17-43090965-C-CT. GRCh37 (hg19) VCF-style: chr17-41242982-C-CT.
Other names: 4282insA; c.4163dupA (NM_007294.3); c.4160dup, p.Ser1388Glufs (NM_001407861.1, NM_001407587.1, NM_001407590.1 and 22 more transcripts); c.3962dup, p.Ser1322Glufs (NM_001407862.1); c.4040dup, p.Ser1348Glufs (NM_001407863.1, NM_001407919.1, NM_001407937.1 and 19 more transcripts); c.3959dup, p.Ser1321Glufs (NM_001407874.1, NM_001407875.1); c.3953dup, p.Ser1319Glufs (NM_001407879.1, NM_001407881.1, NM_001407882.1 and 13 more transcripts); c.3950dup, p.Ser1318Glufs (NM_001407894.1, NM_001407895.1, NM_001407896.1 and 9 more transcripts); and 46 more; short protein forms S1389fs, S286fs, S1342fs.
Identifiers: ClinVar variation 125682 (VCV000125682.53), dbSNP rs80357788, ClinGen allele CA002662.
Genomic context (GRCh38, chr17:43,090,965, plus strand): 5'-CCACACACACGCATGTGCACACACACACACGCTTTTTACCTGAGTGGTTAAAATGTCACT[C>CT]TGAGAGGATAGCCCTGAGCAGTCTTCAGAGACGCTTGTTTCACTCTCACACCCAGATGCT-3'